The following is an entry in ClinVar:

NM_000719.7(CACNA1C):c.1390+236G>A

Gene: CACNA1C (calcium voltage-gated channel subunit alpha1 C; plus strand). Cytogenetic location: 12p13.33.
Variant type: single nucleotide variant.
Coding change: c.1390+236G>A on transcript NM_000719.7 (MANE Select); 236 bases into the intron after coding-DNA position 1390, G replaced by A.
Molecular consequence: intron variant.
Genome position (GRCh38, 1-based): chr12:2,513,220, G>A. VCF-style: chr12-2513220-G-A. GRCh37 (hg19) VCF-style: chr12-2622386-G-A.
Other names: c.1390+236G>A (NM_001167624.3, NM_001167623.2, NM_001167625.2 and 18 more transcripts); c.1381+236G>A (NM_001129844.2).
Identifiers: ClinVar variation 678060 (VCV000678060.5), dbSNP rs2239099, ClinGen allele CA13680649.

ClinVar aggregate classification (germline): Benign. Review status: criteria provided, multiple submitters, no conflicts (2 of 4 stars). 2 submissions from 2 submitters: Benign (2). Last evaluated 2019-12-31.

Conditions:
Long QT syndrome (LQTS). Identifiers: MedGen C0023976, MeSH D008133, MONDO:0002442. Disease mechanism: loss of function. Inheritance: Various modes of inheritance.

Allele frequency attached by ClinVar (database versions not stated): TOPMed 0.27708; 1000 Genomes Project 0.34605; 1000 Genomes Project 30x 0.35087.
gnomAD v4.1: 37,155 of 152,038 alleles (24%); highest among the groups gnomAD compares: East Asian, 56%; 6,233 homozygotes.

Submissions (2):

Labcorp Genetics (formerly Invitae), Labcorp
Classification: Benign for Long QT syndrome. Last evaluated: 2019-12-31. Review status: criteria provided, single submitter. Criteria: Invitae Variant Classification Sherloc (09022015). Collection method: clinical testing. Allele origin: germline.

GeneDx
Classification: Benign. Last evaluated: 2018-06-19. Review status: criteria provided, single submitter. Criteria: GeneDx Variant Classification (06012015). Collection method: clinical testing. Allele origin: germline. Affected: yes.
Comment: This variant is considered likely benign or benign based on one or more of the following criteria: it is a conservative change, it occurs at a poorly conserved position in the protein, it is predicted to be benign by multiple in silico algorithms, and/or has population frequency not consistent with disease.